The following is an entry in ClinVar:

NM_001024630.4(RUNX2):c.581-2del

Gene: RUNX2 (RUNX family transcription factor 2; plus strand). Cytogenetic location: 6p21.1.
Variant type: Deletion.
Coding change: c.581-2del on transcript NM_001024630.4 (MANE Select); the canonical splice acceptor site of the intron before coding-DNA position 581, one base deleted (A; older notation c.581-2delA).
Molecular consequence: splice acceptor variant.
Genome position (GRCh38, 1-based): chr6:45,437,945, A deleted. VCF-style (leftmost placement, unchanged base first): chr6-45437944-CA-C. GRCh37 (hg19) VCF-style: chr6-45405681-CA-C.
Other names: c.581-2del (NM_001015051.4); c.539-2del (NM_001369405.1, NM_001278478.2).
Identifiers: ClinVar variation 2845731 (VCV002845731.3), dbSNP rs2548593491, ClinGen allele CA2739273064.

ClinVar aggregate classification (germline): Likely pathogenic (1 of 4 stars; one submission).

Submission:

Labcorp Genetics (formerly Invitae), Labcorp
Classification: Likely pathogenic. Last evaluated: 2025-07-22. Review status: criteria provided, single submitter. Criteria: Invitae Variant Classification Sherloc (09022015). Collection method: clinical testing. Allele origin: germline.
Comment: This sequence change affects a splice site in intron 4 of the RUNX2 gene. It is expected to disrupt RNA splicing. Variants that disrupt the donor or acceptor splice site typically lead to a loss of protein function (PMID: 16199547), and loss-of-function variants in RUNX2 are known to be pathogenic (PMID: 10521292, 11857736). This variant is not present in population databases (gnomAD no frequency). This variant has not been reported in the literature in individuals affected with RUNX2-related conditions. ClinVar contains an entry for this variant (Variation ID: 2845731). Algorithms developed to predict the effect of sequence changes on RNA splicing suggest that this variant may disrupt the consensus splice site. In summary, the currently available evidence indicates that the variant is pathogenic, but additional data are needed to prove that conclusively. Therefore, this variant has been classified as Likely Pathogenic.

Literature cited by the submitters: PubMed 16199547; PubMed 10521292; PubMed 11857736.